The following is an entry in ClinVar:

NM_001127222.2(CACNA1A):c.1016A>G (p.Tyr339Cys)

Genes: CACNA1A (calcium voltage-gated channel subunit alpha1 A; minus strand), LOC126862866 (MED14-independent group 3 enhancer GRCh37_chr19:13445719-13446918; plus strand). Cytogenetic location: 19p13.13.
Variant type: single nucleotide variant.
Coding change: c.1016A>G on transcript NM_001127222.2 (MANE Select); coding-DNA position 1016, A replaced by G.
Protein change: p.Tyr339Cys; replaces tyrosine 339 with cysteine.
Molecular consequence: missense variant.
Genome position (GRCh38, 1-based): chr19:13,335,872, T>C on the plus strand (A>G on the coding strand, the complement: CACNA1A is on the minus strand). VCF-style: chr19-13335872-T-C. GRCh37 (hg19) VCF-style: chr19-13446686-T-C.
Other names: c.1016A>G, p.Tyr339Cys (NM_000068.4, NM_001127221.2, NM_001174080.2 and 1 more transcripts); short protein forms Y339C.
Identifiers: ClinVar variation 1709290 (VCV001709290.2), dbSNP rs2513056038, ClinGen allele CA404346801.

ClinVar aggregate classification (germline): Uncertain significance (1 of 4 stars; one submission).

Conditions:
Developmental and epileptic encephalopathy, 42 (DEE42A). Also called: DEVELOPMENTAL AND EPILEPTIC ENCEPHALOPATHY 42A; EPILEPTIC ENCEPHALOPATHY, EARLY INFANTILE, 42A; Epileptic encephalopathy, early infantile, 42. Identifiers: MedGen C4310716, MONDO:0014917, OMIM 617106.

Submission:

MGZ Medical Genetics Center
Classification: Uncertain significance for Developmental and epileptic encephalopathy, 42. Last evaluated: 2022-05-30. Review status: criteria provided, single submitter. Criteria: ACMG Guidelines, 2015. Collection method: clinical testing. Allele origin: germline. Affected: yes. Observed: 1 variant allele.
Comment: ACMG criteria applied: PM2_SUP, PP2, PP3